The following is an entry in ClinVar:

ClinVar aggregate classification (germline): Pathogenic (1 of 4 stars; one submission).

Conditions:
Congenital muscular dystrophy due to integrin alpha-7 deficiency. Also called: MYOPATHY, CONGENITAL, DUE TO INTEGRIN ALPHA-7 DEFICIENCY; Congenital muscular dystrophy with integrin alpha-7 deficiency; Muscular dystrophy, congenital, due to ITGA7 deficiency. Identifiers: Orphanet 34520, MedGen C2750786, MONDO:0013177, OMIM 613204.

Submission:

Labcorp Genetics (formerly Invitae), Labcorp
Classification: Pathogenic for Congenital muscular dystrophy due to integrin alpha-7 deficiency. Last evaluated: 2019-10-23. Review status: criteria provided, single submitter. Criteria: Invitae Variant Classification Sherloc (09022015). Collection method: clinical testing. Allele origin: germline.
Comment: This sequence change creates a premature translational stop signal (p.Trp10*) in the ITGA7 gene. It is expected to result in an absent or disrupted protein product. This variant is not present in population databases (ExAC no frequency). This variant has not been reported in the literature in individuals with ITGA7-related conditions. Loss-of-function variants in ITGA7 are known to be pathogenic (PMID: 9590299). For these reasons, this variant has been classified as Pathogenic.

Literature cited by the submitters: PubMed 9590299.

NM_002206.3(ITGA7):c.29G>A (p.Trp10Ter)

Gene: ITGA7 (integrin subunit alpha 7; minus strand). Cytogenetic location: 12q13.2.
Variant type: single nucleotide variant.
Coding change: c.29G>A on transcript NM_002206.3 (MANE Select); coding-DNA position 29, G replaced by A.
Protein change: p.Trp10Ter; replaces tryptophan 10 with a stop codon.
Molecular consequence: nonsense. On other transcripts: 5 prime UTR variant (1), intron variant (3).
Genome position (GRCh38, 1-based): chr12:55,707,654, C>T on the plus strand (G>A on the coding strand, the complement: ITGA7 is on the minus strand). VCF-style: chr12-55707654-C-T. GRCh37 (hg19) VCF-style: chr12-56101438-C-T.
Other names: c.29G>A, p.Trp10Ter (NM_001144996.2, NM_001374465.1, NM_001410977.1 and 6 more transcripts); c.-1144G>A (NM_001367994.1); c.85+4409G>A (NM_001144997.2); c.-134+4409G>A (NM_001367993.1, NM_001414035.1); short protein forms W10*.
Identifiers: ClinVar variation 971915 (VCV000971915.8), dbSNP rs775325159, ClinGen allele CA385194373.